The following is an entry in ClinVar:

NM_006206.6(PDGFRA):c.2857C>G (p.Leu953Val)

Gene: PDGFRA (platelet derived growth factor receptor alpha; plus strand). Cytogenetic location: 4q12.
Variant type: single nucleotide variant.
Coding change: c.2857C>G on transcript NM_006206.6 (MANE Select); coding-DNA position 2857, C replaced by G.
Protein change: p.Leu953Val; replaces leucine 953 with valine.
Molecular consequence: missense variant.
Genome position (GRCh38, 1-based): chr4:54,289,091, C>G. VCF-style: chr4-54289091-C-G. GRCh37 (hg19) VCF-style: chr4-55155258-C-G.
Other names: c.2932C>G, p.Leu978Val (NM_001347828.2); c.2857C>G, p.Leu953Val (NM_001347829.2); c.2896C>G, p.Leu966Val (NM_001347830.2); short protein forms L966V, L953V, L978V.
Identifiers: ClinVar variation 1796897 (VCV001796897.5), dbSNP rs2475561217, ClinGen allele CA356895840.
Genomic context (GRCh38, chr4:54,289,091, plus strand): 5'-TGGAACAGTGAGCCGGAGAAGAGACCCTCCTTTTACCACCTGAGTGAGATTGTGGAGAAT[C>G]TGCTGCCTGGACAATATAAAAAGGTGTGTTTGGATCTGTGGGTGGAAAGGTCTGGATAAA-3'
Protein context (NP_006197.1, residues 943-963): FYHLSEIVEN[Leu953Val]LPGQYKKSYE

ClinVar aggregate classification (germline): Uncertain significance. Review status: criteria provided, multiple submitters, no conflicts (2 of 4 stars). 2 submissions from 2 submitters: Uncertain significance (2). Last evaluated 2023-12-14.

Conditions:
Hereditary cancer-predisposing syndrome. Also called: Neoplastic Syndromes, Hereditary; Tumor predisposition; Hereditary Cancer Syndrome; Hereditary neoplastic syndrome. Identifiers: Orphanet 140162, MedGen C0027672, MeSH D009386, MONDO:0015356.
Gastrointestinal stromal tumor. Also called: Gastrointestinal stromal tumor, somatic; Gastrointestinal stroma tumor. Identifiers: Orphanet 44890, MedGen C0238198, MeSH D046152, MONDO:0011719, OMIM 606764, HP:0100723.

Submissions (2):

Ambry Genetics
Classification: Uncertain significance for Hereditary cancer-predisposing syndrome. Last evaluated: 2023-12-14. Review status: criteria provided, single submitter. Criteria: Ambry Variant Classification Scheme 2023. Collection method: clinical testing. Allele origin: germline.
Comment: The p.L953V variant (also known as c.2857C>G), located in coding exon 20 of the PDGFRA gene, results from a C to G substitution at nucleotide position 2857. The leucine at codon 953 is replaced by valine, an amino acid with highly similar properties. This amino acid position is conserved. In addition, the in silico prediction for this alteration is inconclusive. Since supporting evidence is limited at this time, the clinical significance of this alteration remains unclear.

Labcorp Genetics (formerly Invitae), Labcorp
Classification: Uncertain significance for Gastrointestinal stromal tumor. Last evaluated: 2023-07-08. Review status: criteria provided, single submitter. Criteria: Invitae Variant Classification Sherloc (09022015). Collection method: clinical testing. Allele origin: germline.
Comment: In summary, the available evidence is currently insufficient to determine the role of this variant in disease. Therefore, it has been classified as a Variant of Uncertain Significance. Advanced modeling of protein sequence and biophysical properties (such as structural, functional, and spatial information, amino acid conservation, physicochemical variation, residue mobility, and thermodynamic stability) has been performed at Invitae for this missense variant, however the output from this modeling did not meet the statistical confidence thresholds required to predict the impact of this variant on PDGFRA protein function. ClinVar contains an entry for this variant (Variation ID: 1796897). This variant has not been reported in the literature in individuals affected with PDGFRA-related conditions. This variant is not present in population databases (gnomAD no frequency). This sequence change replaces leucine, which is neutral and non-polar, with valine, which is neutral and non-polar, at codon 953 of the PDGFRA protein (p.Leu953Val).